The following is an entry in ClinVar:

ClinVar aggregate classification (germline): Uncertain significance (1 of 4 stars; one submission).

gnomAD v4.1: 1 of 1,567,002 alleles (0.000064%); highest among the groups gnomAD compares: Admixed American, 0.0018%; no homozygotes.

Submission:

Ambry Genetics
Classification: Uncertain significance. Last evaluated: 2026-06-09. Review status: criteria provided, single submitter. Criteria: Ambry Variant Classification Scheme 2023. Collection method: clinical testing. Allele origin: germline.
Comment: The c.31G>A (p.A11T) alteration is located in exon 1 (coding exon 1) of the HAP1 gene. This alteration results from a G to A substitution at nucleotide position 31, causing the alanine (A) at amino acid position 11 to be replaced by a threonine (T). Based on data from gnomAD, the A allele has an overall frequency of <0.001% (1/192544) total alleles studied. The highest observed frequency was 0.003% (1/29912) of Latino alleles. Based on insufficient or conflicting evidence, the clinical significance of this alteration remains unclear.

NM_177977.3(HAP1):c.31G>A (p.Ala11Thr)

Gene: HAP1 (huntingtin associated protein 1; minus strand). Cytogenetic location: 17q21.2.
Variant type: single nucleotide variant.
Coding change: c.31G>A on transcript NM_177977.3 (MANE Select); coding-DNA position 31, G replaced by A.
Protein change: p.Ala11Thr; replaces alanine 11 with threonine.
Molecular consequence: missense variant.
Genome position (GRCh38, 1-based): chr17:41,734,604, C>T on the plus strand (G>A on the coding strand, the complement: HAP1 is on the minus strand). VCF-style: chr17-41734604-C-T. GRCh37 (hg19) VCF-style: chr17-39890856-C-T.
Other names: c.31G>A, p.Ala11Thr (NM_001079870.1, NM_001079871.1, NM_001367459.1 and 3 more transcripts); short protein forms A11T.
Identifiers: ClinVar variation 4858259 (VCV004858259.1).